The following is an entry in ClinVar:

ClinVar aggregate classification (germline): Benign (1 of 4 stars; one submission).

Allele frequency attached by ClinVar (database versions not stated): gnomAD 0.13228 and 0.13752; TOPMed 0.14171; 1000 Genomes Project 0.14916; 1000 Genomes Project 30x 0.15631.
gnomAD v4.1: 19,981 of 152,122 alleles (13%); highest among the groups gnomAD compares: African/African-American, 35%; 2,714 homozygotes.

Submission:

GeneDx
Classification: Benign. Last evaluated: 2018-06-14. Review status: criteria provided, single submitter. Criteria: GeneDx Variant Classification (06012015). Collection method: clinical testing. Allele origin: germline. Affected: yes.
Comment: This variant is considered likely benign or benign based on one or more of the following criteria: it is a conservative change, it occurs at a poorly conserved position in the protein, it is predicted to be benign by multiple in silico algorithms, and/or has population frequency not consistent with disease.

NM_133642.5(LARGE1):c.1132-190G>T

Gene: LARGE1 (LARGE xylosyl- and glucuronyltransferase 1; minus strand). Cytogenetic location: 22q12.3.
Variant type: single nucleotide variant.
Coding change: c.1132-190G>T on transcript NM_133642.5 (MANE Select); 190 bases into the intron before coding-DNA position 1132, G replaced by T.
Molecular consequence: intron variant.
Genome position (GRCh38, 1-based): chr22:33,337,991, C>A on the plus strand (G>T on the coding strand, the complement: LARGE1 is on the minus strand). VCF-style: chr22-33337991-C-A. GRCh37 (hg19) VCF-style: chr22-33733977-C-A.
Other names: c.1132-190G>T (NM_001362953.2, NM_001362949.2, NM_001378627.1 and 6 more transcripts); c.1132-21743G>T (NM_001378629.1); c.529-21743G>T (NM_001378631.1); c.529-190G>T (NM_001378630.1).
Identifiers: ClinVar variation 683051 (VCV000683051.1), dbSNP rs2157200, ClinGen allele CA14975219.